The following is an entry in ClinVar:

ClinVar aggregate classification (germline): Uncertain significance (1 of 4 stars; one submission).

Allele frequency attached by ClinVar (database versions not stated): ExAC 0.00001; gnomAD 0.00001; 1000 Genomes Project 30x 0.00016; 1000 Genomes Project 0.00020.
gnomAD v4.1: 1 of 1,614,170 alleles (0.000062%); highest among the groups gnomAD compares: East Asian, 0.0022%; no homozygotes.

Submission:

Labcorp Genetics (formerly Invitae), Labcorp
Classification: Uncertain significance. Last evaluated: 2022-01-11. Review status: criteria provided, single submitter. Criteria: Invitae Variant Classification Sherloc (09022015). Collection method: clinical testing. Allele origin: germline.
Comment: This sequence change replaces glutamine, which is neutral and polar, with arginine, which is basic and polar, at codon 515 of the DENND5A protein (p.Gln515Arg). This variant is not present in population databases (gnomAD no frequency). In summary, the available evidence is currently insufficient to determine the role of this variant in disease. Therefore, it has been classified as a Variant of Uncertain Significance. Algorithms developed to predict the effect of missense changes on protein structure and function (SIFT, PolyPhen-2, Align-GVGD) all suggest that this variant is likely to be tolerated. This variant has not been reported in the literature in individuals affected with DENND5A-related conditions.

NM_015213.4(DENND5A):c.1544A>G (p.Gln515Arg)

Gene: DENND5A (DENN domain containing 5A; minus strand). Cytogenetic location: 11p15.4.
Variant type: single nucleotide variant.
Coding change: c.1544A>G on transcript NM_015213.4 (MANE Select); coding-DNA position 1544, A replaced by G.
Protein change: p.Gln515Arg; replaces glutamine 515 with arginine.
Molecular consequence: missense variant. On other transcripts: non-coding transcript variant (1).
Genome position (GRCh38, 1-based): chr11:9,178,985, T>C on the plus strand (A>G on the coding strand, the complement: DENND5A is on the minus strand). VCF-style: chr11-9178985-T-C. GRCh37 (hg19) VCF-style: chr11-9200532-T-C.
Other names: c.1544A>G, p.Gln515Arg (NM_001243254.2, NM_001348748.1); c.1472A>G, p.Gln491Arg (NM_001348749.2); c.1256A>G, p.Gln419Arg (NM_001348750.2); short protein forms Q515R, Q419R, Q491R.
Identifiers: ClinVar variation 2079596 (VCV002079596.4), dbSNP rs199898256, ClinGen allele CA5877566.